The following is an entry in ClinVar:

NM_000400.4(ERCC2):c.936C>G (p.Asp312Glu)

Gene: ERCC2 (ERCC excision repair 2, TFIIH core complex helicase subunit; minus strand). Cytogenetic location: 19q13.32.
Variant type: single nucleotide variant.
Coding change: c.936C>G on transcript NM_000400.4 (MANE Select); coding-DNA position 936, C replaced by G.
Protein change: p.Asp312Glu; replaces aspartic acid 312 with glutamic acid.
Molecular consequence: missense variant.
Genome position (GRCh38, 1-based): chr19:45,363,999, G>C on the plus strand (C>G on the coding strand, the complement: ERCC2 is on the minus strand). VCF-style: chr19-45363999-G-C. GRCh37 (hg19) VCF-style: chr19-45867257-G-C.
Other names: c.864C>G, p.Asp288Glu (NM_001130867.2); short protein forms D288E, D312E.
Identifiers: ClinVar variation 1766697 (VCV001766697.2), dbSNP rs747301897, ClinGen allele CA406373308.
Genomic context (GRCh38, chr19:45,363,999, plus strand): 5'-GGGGAGGCGGGAAAGGGACTGGGGGGCAGCGGGGGGTCGGGGCTCACCCTGCAGCACTTC[G>C]TCGGGCAGCACGGGGTTGGCCAGGTGGGCGTCCGTCTCCCGGGCGGCGCTGGCCTCCCGC-3'
Protein context (NP_000391.1, residues 302-322): DAHLANPVLP[Asp312Glu]EVLQEAVPGS

ClinVar aggregate classification (germline): Uncertain significance (1 of 4 stars; one submission).

Conditions:
Inborn genetic diseases. Identifiers: MedGen C0950123, MeSH D030342.

Submission:

Ambry Genetics
Classification: Uncertain significance for Inborn genetic diseases. Last evaluated: 2021-11-01. Review status: criteria provided, single submitter. Criteria: Ambry Variant Classification Scheme 2023. Collection method: clinical testing. Allele origin: germline.
Comment: The p.D312E variant (also known as c.936C>G), located in coding exon 10 of the ERCC2 gene, results from a C to G substitution at nucleotide position 936. The aspartic acid at codon 312 is replaced by glutamic acid, an amino acid with highly similar properties. This amino acid position is conserved. In addition, the in silico prediction for this alteration is inconclusive. Since supporting evidence is limited at this time, the clinical significance of this alteration remains unclear.